The following is an entry in ClinVar:

ClinVar aggregate classification (germline): Benign/Likely benign. Review status: criteria provided, multiple submitters, no conflicts (2 of 4 stars). 4 submissions from 4 submitters: Benign (3); Likely benign (1). Last evaluated 2026-02-02.

Conditions:
Charcot-Marie-Tooth disease type 2. Also called: Charcot-Marie-Tooth type 2. Identifiers: Orphanet 64746, MedGen C0270914, MONDO:0018993.

Allele frequency attached by ClinVar (database versions not stated): gnomAD exomes 0.00043 and 0.00120; ExAC 0.00141; 1000 Genomes Project 0.00339; gnomAD 0.00369 and 0.00391; 1000 Genomes Project 30x 0.00390; ESP Exome Variant Server 0.00439; TOPMed 0.00455.
gnomAD v4.1: 1,224 of 1,613,508 alleles (0.076%); highest among the groups gnomAD compares: African/African-American, 1.2%; 6 homozygotes.

Submissions (4):

Labcorp Genetics (formerly Invitae), Labcorp
Classification: Benign for Charcot-Marie-Tooth disease type 2. Last evaluated: 2026-02-02. Review status: criteria provided, single submitter. Criteria: Invitae Variant Classification Sherloc (09022015). Collection method: clinical testing. Allele origin: germline.

Blueprint Genetics
Classification: Likely benign. Last evaluated: 2024-11-06. Review status: criteria provided, single submitter. Criteria: ACMG Guidelines, 2015. Collection method: clinical testing. Allele origin: germline.

ARUP Laboratories, Molecular Genetics and Genomics, ARUP Laboratories
Classification: Benign. Last evaluated: 2020-12-17. Review status: criteria provided, single submitter. Criteria: ARUP Molecular Germline Variant Investigation Process 2021. Collection method: clinical testing. Allele origin: germline.

GeneDx
Classification: Benign. Last evaluated: 2018-02-06. Review status: criteria provided, single submitter. Criteria: GeneDx Variant Classification (06012015). Collection method: clinical testing. Allele origin: germline. Affected: yes.
Comment: This variant is considered likely benign or benign based on one or more of the following criteria: it is a conservative change, it occurs at a poorly conserved position in the protein, it is predicted to be benign by multiple in silico algorithms, and/or has population frequency not consistent with disease.

NM_001605.3(AARS1):c.962+18T>C

Gene: AARS1 (alanyl-tRNA synthetase 1; minus strand). Cytogenetic location: 16q22.1.
Variant type: single nucleotide variant.
Coding change: c.962+18T>C on transcript NM_001605.3 (MANE Select); 18 bases into the intron after coding-DNA position 962, T replaced by C.
Molecular consequence: intron variant.
Genome position (GRCh38, 1-based): chr16:70,269,600, A>G on the plus strand (T>C on the coding strand, the complement: AARS1 is on the minus strand). VCF-style: chr16-70269600-A-G. GRCh37 (hg19) VCF-style: chr16-70303503-A-G.
Identifiers: ClinVar variation 381159 (VCV000381159.19), dbSNP rs149761815, ClinGen allele CA8140980.